The following is an entry in ClinVar:

NM_000321.3(RB1):c.1491A>T (p.Thr497=)

Gene: RB1 (RB transcriptional corepressor 1; plus strand). Cytogenetic location: 13q14.2.
Variant type: single nucleotide variant.
Coding change: c.1491A>T on transcript NM_000321.3 (MANE Select); coding-DNA position 1491, A replaced by T.
Protein change: p.Thr497=; no amino-acid change (threonine 497 retained).
Molecular consequence: synonymous variant.
Genome position (GRCh38, 1-based): chr13:48,380,234, A>T. VCF-style: chr13-48380234-A-T. GRCh37 (hg19) VCF-style: chr13-48954370-A-T.
Identifiers: ClinVar variation 458126 (VCV000458126.25), dbSNP rs150115447, ClinGen allele CA028926.

ClinVar aggregate classification (germline): Benign/Likely benign. Review status: criteria provided, multiple submitters, no conflicts (2 of 4 stars). 8 submissions from 8 submitters: Benign (6); Likely benign (2). Last evaluated 2026-06-24.

Conditions:
Hereditary cancer-predisposing syndrome. Also called: Hereditary neoplastic syndrome; Neoplastic Syndromes, Hereditary; Hereditary Cancer Syndrome; Tumor predisposition. Identifiers: Orphanet 140162, MedGen C0027672, MeSH D009386, MONDO:0015356.
Retinoblastoma (RB1). Also called: RETINOBLASTOMA, SOMATIC. Identifiers: Orphanet 790, MedGen C0035335, MeSH D012175, MONDO:0008380, OMIM 180200, HP:0009919. Disease mechanism: loss of function. Inheritance: Both sporadic and heritable forms are tested..

Allele frequency attached by ClinVar (database versions not stated): TOPMed 0.00015; gnomAD exomes 0.00008 and 0.00018; gnomAD 0.00020 and 0.00015; ESP Exome Variant Server 0.00031; ExAC 0.00034; 1000 Genomes Project 0.00100; 1000 Genomes Project 30x 0.00078.
gnomAD v4.1: 145 of 1,594,370 alleles (0.0091%); highest among the groups gnomAD compares: South Asian, 0.11%; no homozygotes.

Submissions (8):

Myriad Genetics, Inc.
Classification: Benign for Retinoblastoma. Last evaluated: 2026-06-24. Review status: criteria provided, single submitter. Criteria: Myriad Autosomal Dominant, Autosomal Recessive and X-Linked Classification Criteria (2023). Collection method: clinical testing. Allele origin: unknown.
Comment: This variant is considered benign. This variant is a silent/synonymous amino acid change and it is not expected to impact splicing.

Labcorp Genetics (formerly Invitae), Labcorp
Classification: Benign for Retinoblastoma. Last evaluated: 2026-01-31. Review status: criteria provided, single submitter. Criteria: Invitae Variant Classification Sherloc (09022015). Collection method: clinical testing. Allele origin: germline.

All of Us Research Program, National Institutes of Health
Classification: Benign for Retinoblastoma. Last evaluated: 2023-12-18. Review status: criteria provided, single submitter. Criteria: ACMG Guidelines, 2015. Collection method: clinical testing. Allele origin: germline. Inheritance: Autosomal dominant inheritance. Observed: 13 variant alleles, 13 heterozygotes.
Comment: This study involves interpretation of variants in research participants for the purpose of population health screening. Participant phenotype was not available at the time of variant classification. Additional details can be found in publication PMID: 35346344, PMCID: PMC8962531

Color Diagnostics, LLC DBA Color Health
Classification: Benign for Retinoblastoma. Last evaluated: 2022-04-29. Review status: criteria provided, single submitter. Criteria: ACMG Guidelines, 2015. Collection method: clinical testing. Allele origin: germline.

Sema4
Classification: Benign for Hereditary cancer-predisposing syndrome. Last evaluated: 2021-03-03. Review status: criteria provided, single submitter. Criteria: Sema4 Curation Guidelines. Collection method: curation. Allele origin: germline.

GeneDx
Classification: Likely benign. Last evaluated: 2018-05-29. Review status: criteria provided, single submitter. Criteria: GeneDx Variant Classification Process June 2021. Collection method: clinical testing. Allele origin: germline. Affected: yes.

Ambry Genetics
Classification: Likely benign for Hereditary cancer-predisposing syndrome. Last evaluated: 2018-04-24. Review status: criteria provided, single submitter. Criteria: Ambry Variant Classification Scheme 2023. Collection method: clinical testing. Allele origin: germline.

Illumina Laboratory Services, Illumina
Classification: Benign for Retinoblastoma. Last evaluated: 2018-01-12. Review status: criteria provided, single submitter. Criteria: ICSL Variant Classification Criteria 13 December 2019. Collection method: clinical testing. Allele origin: germline.
Comment: This variant was observed in the ICSL laboratory as part of a predisposition screen in an ostensibly healthy population. It had not been previously curated by ICSL or reported in the Human Gene Mutation Database (HGMD: prior to June 1st, 2018), and was therefore a candidate for classification through an automated scoring system. Utilizing variant allele frequency, disease prevalence and penetrance estimates, and inheritance mode, an automated score was calculated to assess if this variant is too frequent to cause the disease. Based on the score and internal cut-off values, a variant classified as benign is not then subjected to further curation. The score for this variant resulted in a classification of benign for this disease.